The following is an entry in ClinVar:

NM_001005242.3(PKP2):c.1307_1315delinsATTTAGTT (p.Leu436fs)

Gene: PKP2 (plakophilin 2; minus strand). Cytogenetic location: 12p11.21.
Variant type: Indel.
Coding change: c.1307_1315delinsATTTAGTT on transcript NM_001005242.3 (MANE Select); coding-DNA positions 1307 to 1315, TAAATGGGG replaced by ATTTAGTT.
Protein change: p.Leu436fs; shifts the reading frame from leucine 436.
Molecular consequence: frameshift variant.
Genome position (GRCh38, 1-based): chr12:32,850,829-32,850,837, CCCCATTTA replaced by AACTAAAT on the plus strand (TAAATGGGG replaced by ATTTAGTT on the coding strand, the reverse complement: PKP2 is on the minus strand). VCF-style: chr12-32850829-CCCCATTTA-AACTAAAT. GRCh37 (hg19) VCF-style: chr12-33003763-CCCCATTTA-AACTAAAT.
Other names: c.1307_1315delinsATTTAGTT, p.Leu436fs (NM_004572.4); short protein forms L436fs.
Identifiers: ClinVar variation 45019 (VCV000045019.7), dbSNP rs397516992, ClinGen allele CA010964.

ClinVar aggregate classification (germline): Pathogenic/Likely pathogenic. Review status: criteria provided, multiple submitters, no conflicts (2 of 4 stars). 3 submissions from 3 submitters: Pathogenic (1); Likely pathogenic (1). 1 of the submissions does not count toward it. Last evaluated 2025-01-24.

Conditions:
Cardiomyopathy (CMYO). Also called: Cardiomyopathies. Identifiers: Orphanet 167848, MedGen C0878544, MONDO:0004994, HP:0001638. Inheritance: Various modes of inheritance.
Arrhythmogenic right ventricular cardiomyopathy (ARVD). Also called: Arrhythmogenic right ventricular dysplasia; Arrhythmogenic cardiomyopathy; Arrhythmogenic Right Ventricular Cardiomyopathy (ARVC); Cardiomyopathy, ARVC. Identifiers: Orphanet 247, MedGen C0349788, MeSH D019571, MONDO:0016587. Disease mechanism: loss of function. Inheritance: Various modes of inheritance.
Arrhythmogenic right ventricular dysplasia 9 (ARVD9). Also called: ARRHYTHMOGENIC RIGHT VENTRICULAR DYSPLASIA, FAMILIAL, 9; Arrhythmogenic Right Ventricular Dysplasia/Cardiomyopathy 9. Identifiers: MedGen C1836906, MONDO:0012180, OMIM 609040.

Submissions (3):

Molecular Genetics Laboratory, Motol Hospital
Classification: Pathogenic for Arrhythmogenic right ventricular dysplasia 9. Last evaluated: 2025-01-24. Review status: criteria provided, single submitter. Criteria: ACMG Guidelines, 2015. Collection method: clinical testing. Allele origin: germline. Affected: yes. Observed: 4 variant alleles.
Comment: This variant was detected in four unrelated individuals with cardiomyopathy at the submitter's workplace. Most of PKP2 mutations are loss-of-function, leading to the reduced expression of PKP2 protein. Rare LoF mutations resulting in haploinsufficiency are well-known cause of autosomal dominant "arrhythmogenic right ventricular dysplasia 9 (ARVD9)" aka "arrhythmogenic cardiomyopathy (ACM)" (MIM:609040; PMID:34652945;PMID:15489853;PMID:29038109;PMID:16549640) (PVS1). The variant is not present in the control population (gnomAD) (PM2). The ClinVar database contains two records of this variant, which was found in individuals with ACM. The same variant was detected in unrelated individuals with ACM in the submitter's workplace (PP5). To conclude, the variant is classified as pathogenic (ACMG PVS1, PM2, PP5).

CHEO Genetics Diagnostic Laboratory, Children's Hospital of Eastern Ontario
Classification: Likely pathogenic for Cardiomyopathy. Last evaluated: 2023-04-24. Review status: criteria provided, single submitter. Criteria: ACMG Guidelines, 2015. Collection method: clinical testing. Allele origin: germline.

Laboratory for Molecular Medicine, Mass General Brigham Personalized Medicine
Classification: Likely pathogenic for Arrhythmogenic right ventricular cardiomyopathy. Last evaluated: 2009-02-03. Review status: no assertion criteria provided. Collection method: clinical testing. Allele origin: germline. Observed: 1 variant allele. Not counted in ClinVar's aggregate classification.

Literature cited by the submitters: PubMed 34652945 (cited by Molecular Genetics Laboratory, Motol Hospital); PubMed 15489853 (cited by Molecular Genetics Laboratory, Motol Hospital); PubMed 29038109 (cited by Molecular Genetics Laboratory, Motol Hospital); PubMed 16549640 (cited by Molecular Genetics Laboratory, Motol Hospital).